The following is an entry in ClinVar:

ClinVar aggregate classification (germline): Uncertain significance. Review status: criteria provided, multiple submitters, no conflicts (2 of 4 stars). 2 submissions from 2 submitters: Uncertain significance (2). Last evaluated 2023-06-15.

Conditions:
Hereditary cancer-predisposing syndrome. Also called: Neoplastic Syndromes, Hereditary; Hereditary Cancer Syndrome; Hereditary neoplastic syndrome; Tumor predisposition. Identifiers: Orphanet 140162, MedGen C0027672, MeSH D009386, MONDO:0015356.

Allele frequency attached by ClinVar (database versions not stated): TOPMed 0.00001.
gnomAD v4.1: 2 of 1,613,560 alleles (0.00012%); no homozygotes.

Submissions (2):

Labcorp Genetics (formerly Invitae), Labcorp
Classification: Uncertain significance. Last evaluated: 2023-06-15. Review status: criteria provided, single submitter. Criteria: Invitae Variant Classification Sherloc (09022015). Collection method: clinical testing. Allele origin: germline.
Comment: This sequence change replaces leucine, which is neutral and non-polar, with serine, which is neutral and polar, at codon 24 of the XRCC2 protein (p.Leu24Ser). This variant is not present in population databases (gnomAD no frequency). This variant has not been reported in the literature in individuals affected with XRCC2-related conditions. Advanced modeling of protein sequence and biophysical properties (such as structural, functional, and spatial information, amino acid conservation, physicochemical variation, residue mobility, and thermodynamic stability) has been performed at Invitae for this missense variant, however the output from this modeling did not meet the statistical confidence thresholds required to predict the impact of this variant on XRCC2 protein function. In summary, the available evidence is currently insufficient to determine the role of this variant in disease. Therefore, it has been classified as a Variant of Uncertain Significance.

Ambry Genetics
Classification: Uncertain significance for Hereditary cancer-predisposing syndrome. Last evaluated: 2023-05-03. Review status: criteria provided, single submitter. Criteria: Ambry Variant Classification Scheme 2023. Collection method: clinical testing. Allele origin: germline.
Comment: The p.L24S variant (also known as c.71T>C), located in coding exon 2 of the XRCC2 gene, results from a T to C substitution at nucleotide position 71. The leucine at codon 24 is replaced by serine, an amino acid with dissimilar properties. This amino acid position is highly conserved in available vertebrate species. In addition, the in silico prediction for this alteration is inconclusive. Since supporting evidence is limited at this time, the clinical significance of this alteration remains unclear.

NM_005431.2(XRCC2):c.71T>C (p.Leu24Ser)

Gene: XRCC2 (X-ray repair cross complementing 2; minus strand). Cytogenetic location: 7q36.1.
Variant type: single nucleotide variant.
Coding change: c.71T>C on transcript NM_005431.2 (MANE Select); coding-DNA position 71, T replaced by C.
Protein change: p.Leu24Ser; replaces leucine 24 with serine.
Molecular consequence: missense variant.
Genome position (GRCh38, 1-based): chr7:152,660,751, A>G on the plus strand (T>C on the coding strand, the complement: XRCC2 is on the minus strand). VCF-style: chr7-152660751-A-G. GRCh37 (hg19) VCF-style: chr7-152357836-A-G.
Other names: short protein forms L24S.
Identifiers: ClinVar variation 2561495 (VCV002561495.5), dbSNP rs1590134315, ClinGen allele CA370199501.